The following is an entry in ClinVar:

ClinVar aggregate classification (germline): Uncertain significance. Review status: criteria provided, multiple submitters, no conflicts (2 of 4 stars). 2 submissions from 2 submitters: Uncertain significance (2). Last evaluated 2023-08-08.

Allele frequency attached by ClinVar (database versions not stated): TOPMed below 0.00001; gnomAD 0.00001; gnomAD exomes 0.00001.

Submissions (2):

Blueprint Genetics
Classification: Uncertain significance. Last evaluated: 2023-08-08. Review status: criteria provided, single submitter. Criteria: ACMG Guidelines, 2015. Collection method: clinical testing. Allele origin: germline.

GeneDx
Classification: Uncertain significance. Last evaluated: 2019-11-02. Review status: criteria provided, single submitter. Criteria: GeneDx Variant Classification Process June 2021. Collection method: clinical testing. Allele origin: germline. Affected: yes.
Comment: Not observed in large population cohorts (Lek et al., 2016); In silico analysis, which includes protein predictors and evolutionary conservation, supports that this variant does not alter protein structure/function; Has not been previously published as pathogenic or benign to our knowledge

NM_017617.5(NOTCH1):c.5614A>G (p.Met1872Val)

Gene: NOTCH1 (notch receptor 1; minus strand). Cytogenetic location: 9q34.3.
Variant type: single nucleotide variant.
Coding change: c.5614A>G on transcript NM_017617.5 (MANE Select); coding-DNA position 5614, A replaced by G.
Protein change: p.Met1872Val; replaces methionine 1872 with valine.
Molecular consequence: missense variant.
Genome position (GRCh38, 1-based): chr9:136,501,772, T>C on the plus strand (A>G on the coding strand, the complement: NOTCH1 is on the minus strand). VCF-style: chr9-136501772-T-C. GRCh37 (hg19) VCF-style: chr9-139396224-T-C.
Other names: short protein forms M1872V.
Identifiers: ClinVar variation 1309949 (VCV001309949.3), dbSNP rs1842998280, ClinGen allele CA375638933.